The following is an entry in ClinVar:

NM_002936.6(RNASEH1):c.774+5G>A

Gene: RNASEH1 (ribonuclease H1; minus strand). Cytogenetic location: 2p25.3.
Variant type: single nucleotide variant.
Coding change: c.774+5G>A on transcript NM_002936.6 (MANE Select); 5 bases into the intron after coding-DNA position 774, G replaced by A.
Molecular consequence: intron variant.
Genome position (GRCh38, 1-based): chr2:3,547,926, C>T on the plus strand (G>A on the coding strand, the complement: RNASEH1 is on the minus strand). VCF-style: chr2-3547926-C-T. GRCh37 (hg19) VCF-style: chr2-3595516-C-T.
Other names: c.771+5G>A (NM_001378272.1); c.759+5G>A (NM_001378273.1); c.696+5G>A (NM_001286834.3); c.774+5G>A (NM_001378271.1); c.423+5G>A (NM_001286837.3).
Identifiers: ClinVar variation 1952404 (VCV001952404.6), dbSNP rs1668911127, ClinGen allele CA1027000612.

ClinVar aggregate classification (germline): Uncertain significance. Review status: criteria provided, multiple submitters, no conflicts (2 of 4 stars). 2 submissions from 2 submitters: Uncertain significance (2). Last evaluated 2022-05-11.

Allele frequency attached by ClinVar (database versions not stated): gnomAD exomes below 0.00001; gnomAD 0.00001; TOPMed 0.00002.
gnomAD v4.1: 4 of 1,613,568 alleles (0.00025%); highest among the groups gnomAD compares: Admixed American, 0.0017%; no homozygotes.

Submissions (2):

Labcorp Genetics (formerly Invitae), Labcorp
Classification: Uncertain significance. Last evaluated: 2022-05-11. Review status: criteria provided, single submitter. Criteria: Invitae Variant Classification Sherloc (09022015). Collection method: clinical testing. Allele origin: germline.
Comment: This variant is not present in population databases (gnomAD no frequency). This sequence change falls in intron 7 of the RNASEH1 gene. It does not directly change the encoded amino acid sequence of the RNASEH1 protein. It affects a nucleotide within the consensus splice site. This variant has not been reported in the literature in individuals affected with RNASEH1-related conditions. In summary, the available evidence is currently insufficient to determine the role of this variant in disease. Therefore, it has been classified as a Variant of Uncertain Significance. Variants that disrupt the consensus splice site are a relatively common cause of aberrant splicing (PMID: 17576681, 9536098). Algorithms developed to predict the effect of sequence changes on RNA splicing suggest that this variant may disrupt the consensus splice site.

Blueprint Genetics
Classification: Uncertain significance. Last evaluated: 2020-04-23. Review status: criteria provided, single submitter. Criteria: ACMG Guidelines, 2015. Collection method: clinical testing. Allele origin: germline.

Literature cited by the submitters: PubMed 17576681 (cited by Labcorp Genetics (formerly Invitae), Labcorp); PubMed 9536098 (cited by Labcorp Genetics (formerly Invitae), Labcorp).